The following is an entry in ClinVar:

ClinVar aggregate classification (germline): Conflicting classifications of pathogenicity. Review status: criteria provided, conflicting classifications (1 of 4 stars). 2 submissions from 2 submitters: Likely pathogenic (1); Uncertain significance (1). Last evaluated 2022-08-03.

Conditions:
Polycystic kidney disease, adult type (PKD1). Also called: Polycystic Kidney Disease 1, Autosomal Dominant; Polycystic kidney disease 1; Polycystic kidney disease 1, severe; Polycystic Kidney, Autosomal Dominant; POLYCYSTIC KIDNEY DISEASE 1 WITH OR WITHOUT POLYCYSTIC LIVER DISEASE; POLYCYSTIC KIDNEY DISEASE, ADULT, TYPE I. Identifiers: MedGen C3149841, MONDO:0008263, OMIM 173900.

Submissions (2):

(GEEPAD) Grupo de Estudio de la Enfermedad Poliquística Autosómica Dominante, Hospitales Universitarios Virgen de las Nieves y San Cecilio (Granada)
Classification: Likely pathogenic for Polycystic kidney disease, adult type. Last evaluated: 2022-08-03. Review status: criteria provided, single submitter. Criteria: ACMG Guidelines, 2015. Collection method: clinical testing. Allele origin: germline. Affected: yes. Observed: 1 variant allele.

Juno Genomics, Hangzhou Juno Genomics, Inc
Classification: Uncertain significance for Polycystic kidney disease, adult type. Review status: criteria provided, single submitter. Criteria: ACMG Guidelines, 2015. Collection method: clinical testing. Allele origin: germline. Affected: yes.
Comment: Null variant in a gene where loss of function (LOF) is a known mechanism of disease.;Absent from controls (or at extremely low frequency if recessive) in Genome Aggregation Database, Exome Sequencing Project, 1000 Genomes Project, or Exome Aggregation Consortium.;Patient's phenotype or family history is highly specific for a disease with a single genetic etiology.

NM_001009944.3(PKD1):c.10822-2A>G

Genes: PKD1 (polycystin 1, transient receptor potential channel interacting; minus strand), PKD1-AS1 (PKD1 antisense RNA 1; plus strand). Cytogenetic location: 16p13.3.
Variant type: single nucleotide variant.
Coding change: c.10822-2A>G on transcript NM_001009944.3 (MANE Select); the canonical splice acceptor site of the intron before coding-DNA position 10822, A replaced by G.
Molecular consequence: splice acceptor variant.
Genome position (GRCh38, 1-based): chr16:2,093,740, T>C on the plus strand (A>G on the coding strand, the complement: PKD1 is on the minus strand). VCF-style: chr16-2093740-T-C. GRCh37 (hg19) VCF-style: chr16-2143741-T-C.
Other names: c.10819-2A>G (NM_000296.4).
Identifiers: ClinVar variation 1699922 (VCV001699922.3), dbSNP rs2151707926, ClinGen allele CA394339511.
Genomic context (GRCh38, chr16:2,093,740, plus strand): 5'-TCTTCATCCGGGTGCAGCCGCTTGGCCACCAGTGAGAAGTACAGGGCTTCCAGCAAGACC[T>C]GGGGAGGGGGTGGCTTCAGAGGGGTCCCCCGTGATGGAGGCCTGTAGCCTACCCCTGGCA-3'